The following is an entry in ClinVar:

NM_000481.4(AMT):c.878-1G>A

Gene: AMT (aminomethyltransferase; minus strand). Cytogenetic location: 3p21.31.
Variant type: single nucleotide variant.
Coding change: c.878-1G>A on transcript NM_000481.4 (MANE Select); the canonical splice acceptor site of the intron before coding-DNA position 878, G replaced by A.
Molecular consequence: splice acceptor variant.
Genome position (GRCh38, 1-based): chr3:49,417,974, C>T on the plus strand (G>A on the coding strand, the complement: AMT is on the minus strand). VCF-style: chr3-49417974-C-T. GRCh37 (hg19) VCF-style: chr3-49455407-C-T.
Other names: IVS7, G-A, -1; c.710-1G>A (NM_001164711.2); c.746-1G>A (NM_001164710.2); c.878-1G>A (NM_001164712.2).
Identifiers: ClinVar variation 11981 (VCV000011981.25), dbSNP rs181134220, ClinGen allele CA341164.

ClinVar aggregate classification (germline): Pathogenic. Review status: criteria provided, multiple submitters, no conflicts (2 of 4 stars). 10 submissions from 10 submitters: Pathogenic (8). 2 of the submissions do not count toward it. Last evaluated 2025-11-04.

Conditions:
Glycine encephalopathy 2 (GCE2). Identifiers: MedGen C5830559, MONDO:0958192, OMIM 620398.
AMT-related disorder. Also called: AMT-related condition.
Inborn genetic diseases. Identifiers: MedGen C0950123, MeSH D030342.
Glycine encephalopathy. Also called: Non-ketotic hyperglycinemia; Nonketotic hyperglycinemia. Identifiers: Orphanet 407, MedGen C0751748, MONDO:0011612, HP:0008288.

Allele frequency attached by ClinVar (database versions not stated): gnomAD exomes 0.00002 and 0.00001; gnomAD 0.00003; 1000 Genomes Project 0.00020; 1000 Genomes Project 30x 0.00016; ExAC 0.00001.
gnomAD v4.1: 14 of 1,607,240 alleles (0.00087%); highest among the groups gnomAD compares: Middle Eastern, 0.017%; no homozygotes.

Submissions (10):

Ambry Genetics
Classification: Pathogenic for Inborn genetic diseases. Last evaluated: 2025-11-04. Review status: criteria provided, single submitter. Criteria: Ambry Variant Classification Scheme 2023. Collection method: clinical testing. Allele origin: germline.
Comment: The c.878-1G>A intronic variant consists of a G to A substitution one nucleotide before exon 8 (coding exon 8) of the AMT gene. Alterations that disrupt the canonical splice site are expected to result in aberrant splicing. A resulting transcript is predicted to be in-frame and is not expected to trigger nonsense-mediated mRNAdecay, although direct evidence is unavailable. However, the region predicted to be impacted is critical for protein function and a significant portion of the protein is affected (Ambry internal data). Based on data from gnomAD, the A allele has an overall frequency of 0.002% (5/265840) total alleles studied. The highest observed frequency was 0.012% (4/33658) of Latino alleles. This variant has been identified in the homozygous state and/or in conjunction with other AMT variants in individuals who met clinical criteria for AMT-related glycine encephalopathy; in at least one instance, the variants were identified in trans (Toone, 2001; Toone, 2003; Silverstein, 2019; Barbosa-Gouveia, 2021; Atli, 2022). This nucleotide position is highly conserved in available vertebrate species. In silico splice site analysis predicts that this alteration will weaken the native splice acceptor site and may result in the creation or strengthening of a novel splice acceptor site. Based on the available evidence, this alteration is classified as pathogenic.

Natera, Inc.
Classification: Pathogenic for Non-ketotic hyperglycinemia. Last evaluated: 2025-09-23. Review status: criteria provided, single submitter. Criteria: Natera Variant Classification Schema (03/2026). Collection method: clinical testing. Allele origin: germline.
Comment: The c.878-1G>A variant in AMT is a canonical splice acceptor site variant predicted to affect pre-mRNA splicing, which may result in an abnormal transcript and altered protein product. This variant is expected to result in nonsense mediated decay, truncation, or a dysfunctional protein product. This variant is rare in the general population with a frequency below the threshold expected for the associated phenotype(s). This variant has been observed in one or more individuals affected with the associated recessive disease, as either homozygous or compound heterozygous with a second variant (PMID: 28244183). Given the available evidence, this variant is classified as Pathogenic.

Labcorp Genetics (formerly Invitae), Labcorp
Classification: Pathogenic for Glycine encephalopathy. Last evaluated: 2025-08-03. Review status: criteria provided, single submitter. Criteria: Invitae Variant Classification Sherloc (09022015). Collection method: clinical testing. Allele origin: germline.
Comment: This sequence change affects an acceptor splice site in intron 7 of the AMT gene. It is expected to disrupt RNA splicing. Variants that disrupt the donor or acceptor splice site typically lead to a loss of protein function (PMID: 16199547), and loss-of-function variants in AMT are known to be pathogenic (PMID: 16450403). This variant is present in population databases (rs181134220, gnomAD 0.01%). Disruption of this splice site has been observed in individual(s) with glycine encephalopathy (PMID: 11139253, 12948742; internal data). ClinVar contains an entry for this variant (Variation ID: 11981). Algorithms developed to predict the effect of sequence changes on RNA splicing suggest that this variant may disrupt the consensus splice site. For these reasons, this variant has been classified as Pathogenic.

Mayo Clinic Laboratories, Mayo Clinic
Classification: Pathogenic. Last evaluated: 2024-05-29. Review status: criteria provided, single submitter. Criteria: ACMG Guidelines, 2015. Collection method: clinical testing. Allele origin: germline. Observed: 1 variant allele.
Comment: PM2, PM3, PS3, PS4, PVS1

Fulgent Genetics
Classification: Pathogenic for Glycine encephalopathy 2. Last evaluated: 2024-04-30. Review status: criteria provided, single submitter. Criteria: ACMG Guidelines, 2015. Collection method: clinical testing. Allele origin: germline.

Myriad Genetics, Inc.
Classification: Pathogenic for Glycine encephalopathy 1. Last evaluated: 2021-10-27. Review status: criteria provided, single submitter. Criteria: Myriad Women's Health Autosomal Recessive and X-Linked Classification Criteria (2021). Collection method: clinical testing. Allele origin: unknown.
Comment: NM_000481.3(AMT):c.878-1G>A is a canonical splice variant classified as pathogenic in the context of glycine encephalopathy, AMT-related. c.878-1G>A has been observed in cases with relevant disease (PMID: 12948742, 27362913). Functional assessments of this variant are available in the literature (PMID: 28244183). c.878-1G>A has been observed in population frequency databases (gnomAD: AMR 0.01%). In summary, NM_000481.3(AMT):c.878-1G>A is a canonical splice variant that has been observed more frequently in cases with the relevant disease than in healthy populations. Please note: this variant was assessed in the context of healthy population screening.

Blueprint Genetics
Classification: Pathogenic for AMT-related disorders. Last evaluated: 2018-08-09. Review status: criteria provided, single submitter. Criteria: ACMG Guidelines, 2015. Collection method: clinical testing. Allele origin: germline. Affected: yes. Observed: 1 variant allele.

Women's Health and Genetics/Laboratory Corporation of America, LabCorp
Classification: Pathogenic for Non-ketotic hyperglycinemia. Last evaluated: 2018-03-08. Review status: criteria provided, single submitter. Criteria: LabCorp Variant Classification Summary - May 2015. Collection method: clinical testing. Allele origin: germline.
Comment: Variant summary: AMT c.878-1G>A is located in a canonical splice-site and is predicted to affect mRNA splicing resulting in a significantly altered protein due to either exon skipping, shortening, or inclusion of intronic material. Several computational tools predict a significant impact on normal splicing: Five predict the variant weakens a 3 acceptor site. However, these predictions have yet to be confirmed by functional studies. The variant allele was found at a frequency of 1.9e-05 in 260824 control chromosomes. c.878-1G>A has been reported in the literature in multiple individuals affected with Glycine Encephalopathy (Non-Ketotic Hyperglycinemia). These data indicate that the variant is very likely to be associated with disease. No clinical diagnostic laboratories have submitted clinical-significance assessments for this variant to ClinVar after 2014. Based on the evidence outlined above, the variant was classified as pathogenic.

GeneReviews
Classification: Pathogenic for Glycine Encephalopathy. Last evaluated: 2013-07-11. Review status: no assertion criteria provided. Collection method: curation. Allele origin: unknown. Not counted in ClinVar's aggregate classification.
ClinVar note: Converted during submission from pathologic to Pathogenic.

OMIM
Classification: Pathogenic for GLYCINE ENCEPHALOPATHY 2. Last evaluated: 2001-01-01. Review status: no assertion criteria provided. Collection method: literature only. Allele origin: germline. Not counted in ClinVar's aggregate classification.

Literature cited by the submitters: PubMed 11139253 (cited by 5 submitters); PubMed 12948742 (cited by 4 submitters); PubMed 30350008 (cited by Ambry Genetics and Mayo Clinic Laboratories, Mayo Clinic); PubMed 33528079 (cited by Ambry Genetics and Mayo Clinic Laboratories, Mayo Clinic); PubMed 34440436 (cited by Ambry Genetics and Mayo Clinic Laboratories, Mayo Clinic); PubMed 28244183 (cited by 3 submitters); PubMed 16199547 (cited by Labcorp Genetics (formerly Invitae), Labcorp); PubMed 16450403 (cited by Labcorp Genetics (formerly Invitae), Labcorp); PubMed 27362913 (cited by 3 submitters); PubMed 31319225 (cited by Mayo Clinic Laboratories, Mayo Clinic); PubMed 31589614 (cited by Mayo Clinic Laboratories, Mayo Clinic).